The following is an entry in ClinVar:

ClinVar aggregate classification (germline): Pathogenic/Likely pathogenic. Review status: criteria provided, multiple submitters, no conflicts (2 of 4 stars). 4 submissions from 4 submitters: Pathogenic (2); Likely pathogenic (1). 1 of the submissions does not count toward it. Last evaluated 2024-05-08.

Conditions:
Cerebral arteriopathy, autosomal dominant, with subcortical infarcts and leukoencephalopathy, type 1 (CADASIL1). Also called: CASIL; Cerebral arteriopathy with subcortical infarcts and leukoencephalopathy 1; DEMENTIA, HEREDITARY MULTIINFARCT TYPE; CADASIL 1. Identifiers: Orphanet 136, MedGen C4551768, MONDO:0000914, OMIM 125310.
Sneddon syndrome (SNDNS). Also called: Idiopathic livedo reticularis with systemic involvement; LIVEDO RETICULARIS AND CEREBROVASCULAR ACCIDENTS. Identifiers: Orphanet 820, MedGen C0282492, MONDO:0008436, OMIM 182410.
Lateral meningocele syndrome (LMNS). Also called: NOTCH3-Related Lateral Meningocele Syndrome. Identifiers: Orphanet 2789, MedGen C1851710, MONDO:0007537, OMIM 130720.
Myofibromatosis, infantile, 2. Identifiers: Orphanet 2591, MedGen C3809084, MONDO:0014122, OMIM 615293.
NOTCH3-related disorder. Also called: NOTCH3-related condition; NOTCH3-related disorders.

gnomAD v4.1: 1 of 1,612,464 alleles (0.000062%); no homozygotes.

Submissions (4):

Labcorp Genetics (formerly Invitae), Labcorp
Classification: Pathogenic. Last evaluated: 2024-05-08. Review status: criteria provided, single submitter. Criteria: Invitae Variant Classification Sherloc (09022015). Collection method: clinical testing. Allele origin: germline.
Comment: This sequence change replaces cysteine, which is neutral and slightly polar, with tyrosine, which is neutral and polar, at codon 1099 of the NOTCH3 protein (p.Cys1099Tyr). This variant is not present in population databases (gnomAD no frequency). This missense change has been observed in individuals with clinical features of cerebral arteriopathy with subcortical infarcts and leukoencephalopathy (PMID: 17879445, 34851492; Invitae). ClinVar contains an entry for this variant (Variation ID: 447832). Advanced modeling of protein sequence and biophysical properties (such as structural, functional, and spatial information, amino acid conservation, physicochemical variation, residue mobility, and thermodynamic stability) performed at Invitae indicates that this missense variant is expected to disrupt NOTCH3 protein function with a positive predictive value of 95%. For these reasons, this variant has been classified as Pathogenic.

Athena Diagnostics
Classification: Pathogenic. Last evaluated: 2022-08-30. Review status: criteria provided, single submitter. Criteria: Athena Diagnostics Criteria. Collection method: clinical testing. Allele origin: unknown.
Comment: This variant has been identified in at least one individual with clinical features of CADASIL. This variant has not been reported in large, multi-ethnic general populations. This variant alters a critical location within the protein, and is expected to severely affect function and cause disease. Greater than 90% of pathogenic variants identified in NOTCH3 involve the gain or loss of a cysteine residue within the epidermal growth factor (EGF)-like repeat domain.

Fulgent Genetics
Classification: Likely pathogenic for Cerebral arteriopathy, autosomal dominant, with subcortical infarcts and leukoencephalopathy, type 1; Lateral meningocele syndrome; Myofibromatosis, infantile, 2. Last evaluated: 2018-10-31. Review status: criteria provided, single submitter. Criteria: ACMG Guidelines, 2015. Collection method: clinical testing. Allele origin: unknown.

PreventionGenetics, part of Exact Sciences
Classification: Likely pathogenic for NOTCH3-related condition. Last evaluated: 2024-08-05. Review status: no assertion criteria provided. Collection method: clinical testing. Allele origin: germline. Not counted in ClinVar's aggregate classification.
Comment: The NOTCH3 c.3296G>A variant is predicted to result in the amino acid substitution p.Cys1099Tyr. This variant was reported in individuals with CADASIL (Ferreira et al. 2007. PubMed ID: 17879445; Almeida et al. 2021. PubMed ID: 34851492). This variant has not been reported in a large population database, indicating this variant is rare. This variant is interpreted as likely pathogenic.

Literature cited by the submitters: PubMed 17879445 (cited by Labcorp Genetics (formerly Invitae), Labcorp); PubMed 34851492 (cited by Labcorp Genetics (formerly Invitae), Labcorp); PubMed 17879447 (cited by Athena Diagnostics).

NM_000435.3(NOTCH3):c.3296G>A (p.Cys1099Tyr)

Gene: NOTCH3 (notch receptor 3; minus strand). Cytogenetic location: 19p13.12.
Variant type: single nucleotide variant.
Coding change: c.3296G>A on transcript NM_000435.3 (MANE Select); coding-DNA position 3296, G replaced by A.
Protein change: p.Cys1099Tyr; replaces cysteine 1099 with tyrosine.
Molecular consequence: missense variant.
Genome position (GRCh38, 1-based): chr19:15,180,103, C>T on the plus strand (G>A on the coding strand, the complement: NOTCH3 is on the minus strand). VCF-style: chr19-15180103-C-T. GRCh37 (hg19) VCF-style: chr19-15290914-C-T.
Other names: short protein forms C1099Y.
Identifiers: ClinVar variation 447832 (VCV000447832.13), dbSNP rs1555727841, ClinGen allele CA404513034.